The following is an entry in ClinVar:

NM_000136.3(FANCC):c.1663C>T (p.Arg555Ter)

Genes: AOPEP (aminopeptidase O (putative); plus strand), FANCC (FA complementation group C; minus strand). Cytogenetic location: 9q22.32.
Variant type: single nucleotide variant.
Coding change: c.1663C>T on transcript NM_000136.3 (MANE Select); coding-DNA position 1663, C replaced by T.
Protein change: p.Arg555Ter; replaces arginine 555 with a stop codon.
Molecular consequence: nonsense.
Genome position (GRCh38, 1-based): chr9:95,101,721, G>A on the plus strand (C>T on the coding strand, the complement: FANCC is on the minus strand). VCF-style: chr9-95101721-G-A. GRCh37 (hg19) VCF-style: chr9-97864003-G-A.
Other names: c.1663C>T, p.Arg555Ter (NM_001243743.2); short protein forms R555*.
Identifiers: ClinVar variation 234905 (VCV000234905.24), dbSNP rs370974124, ClinGen allele CA5137288.
Genomic context (GRCh38, chr9:95,101,721, plus strand): 5'-CGAGCCTGATCCCTCACGCCGGGCACCCACACGGCCTGCGTGCCTTCTAGACTTGAGTTC[G>A]CAGCTCTTTAAGGAGCTCTCGGGCCAGTTTTTCTGATCTAGGGCTTTCAATGCCAAGACG-3'

ClinVar aggregate classification (germline): Conflicting classifications of pathogenicity. Review status: criteria provided, conflicting classifications (1 of 4 stars). 11 submissions from 11 submitters: Likely pathogenic (1); Uncertain significance (8). 2 of the submissions do not count toward it. Last evaluated 2025-07-14.

Conditions:
Hereditary cancer-predisposing syndrome. Also called: Neoplastic Syndromes, Hereditary; Hereditary neoplastic syndrome; Hereditary Cancer Syndrome; Tumor predisposition. Identifiers: Orphanet 140162, MedGen C0027672, MeSH D009386, MONDO:0015356.
Fanconi anemia complementation group C (FANCC). Also called: FANCONI PANCYTOPENIA, TYPE 3; FACC; Fanconi anemia, group C; FANCC-Related Fanconi Anemia. Identifiers: Orphanet 84, MedGen C3468041, MONDO:0009213, OMIM 227645.
Fanconi anemia (FA). Also called: Fanconi's anemia. Identifiers: Orphanet 84, MedGen C0015625, MeSH D005199, MONDO:0019391.

Allele frequency attached by ClinVar (database versions not stated): TOPMed 0.00002; ESP Exome Variant Server 0.00008.
gnomAD v4.1: 25 of 1,613,828 alleles (0.0015%); highest among the groups gnomAD compares: African/African-American, 0.0053%; no homozygotes.

Submissions (11):

Labcorp Genetics (formerly Invitae), Labcorp
Classification: Uncertain significance for Fanconi anemia. Last evaluated: 2025-07-14. Review status: criteria provided, single submitter. Criteria: Invitae Variant Classification Sherloc (09022015). Collection method: clinical testing. Allele origin: germline.
Comment: This sequence change creates a premature translational stop signal (p.Arg555*) in the FANCC gene. While this is not anticipated to result in nonsense mediated decay, it is expected to disrupt the last 4 amino acid(s) of the FANCC protein. This variant is present in population databases (rs370974124, gnomAD 0.01%). This premature translational stop signal has been observed in individual(s) with Wilms tumor (PMID: 26822237). ClinVar contains an entry for this variant (Variation ID: 234905). Experimental studies and prediction algorithms are not available or were not evaluated, and the functional significance of this variant is currently unknown. In summary, the available evidence is currently insufficient to determine the role of this variant in disease. Therefore, it has been classified as a Variant of Uncertain Significance.

Quest Diagnostics Nichols Institute San Juan Capistrano
Classification: Uncertain significance. Last evaluated: 2024-10-08. Review status: criteria provided, single submitter. Criteria: Quest Diagnostics criteria. Collection method: clinical testing. Allele origin: unknown.
Comment: The FANCC c.1663C>T (p.Arg555*) variant creates a premature stop codon in the last exon of the FANCC gene, disrupting the last four amino acids of the protein but is not expected to trigger nonsense-mediated decay of the affected transcript. In the published literature, this variant has been reported in an individual with Wilms tumor who also carried pathogenic variants in the CHEK2 and DIS3L2 genes (PMID: 26822237 (2016)). The frequency of this variant in the general population, 0.000026 (3/113548 chromosomes (Genome Aggregation Database)), is uninformative in the assessment of its pathogenicity. Based on the available information, we are unable to determine the clinical significance of this variant.

GeneDx
Classification: Uncertain significance. Last evaluated: 2024-05-17. Review status: criteria provided, single submitter. Criteria: GeneDx Variant Classification Process June 2021. Collection method: clinical testing. Allele origin: germline. Affected: yes.
Comment: Nonsense variant predicted to result in protein truncation as the last 4 amino acids are lost, although loss-of-function variants have not been reported downstream of this position in the protein; Not observed at significant frequency in large population cohorts (gnomAD); Identified in an individual with Wilms tumor who also harbored a pathogenic CHEK2 variant (PMID: 26822237); This variant is associated with the following publications: (PMID: 8882868, Gordon2000[Book], 29922827, 26822237)

Ambry Genetics
Classification: Uncertain significance for Hereditary cancer-predisposing syndrome. Last evaluated: 2024-02-20. Review status: criteria provided, single submitter. Criteria: Ambry Variant Classification Scheme 2023. Collection method: clinical testing. Allele origin: germline.
Comment: The p.R555* variant (also known as c.1663C>T), located in coding exon 14 of the FANCC gene, results from a C to T substitution at nucleotide position 1663. This changes the amino acid from an arginine to a stop codon within coding exon 14. This alteration occurs at the 3' terminus of theFANCC gene, is not expected to trigger nonsense-mediated mRNAdecay, and only impacts the last four amino acids of the protein. The exact functional effect of this alteration is unknown. This variant was reported in a child with Wilms tumor, who had whole exome sequencing, as part of a study of unselected children with newly diagnosed and previously untreated central nervous system (CNS) and non-CNS solid tumors; Since supporting evidence is limited at this time, the clinical significance of this alteration remains unclear.

Baylor Genetics
Classification: Uncertain significance for Fanconi anemia complementation group C. Last evaluated: 2023-05-26. Review status: criteria provided, single submitter. Criteria: ACMG Guidelines, 2015. Collection method: clinical testing. Allele origin: unknown.

Department of Pathology and Laboratory Medicine, Sinai Health System
Classification: Uncertain significance for Fanconi anemia complementation group C. Last evaluated: 2023-05-02. Review status: criteria provided, single submitter. Criteria: ACMG Guidelines, 2015. Collection method: research. Allele origin: germline.

Blueprint Genetics
Classification: Uncertain significance. Last evaluated: 2022-05-13. Review status: criteria provided, single submitter. Criteria: ACMG Guidelines, 2015. Collection method: clinical testing. Allele origin: germline.

Revvity Omics, Revvity
Classification: Uncertain significance for Fanconi anemia complementation group C. Last evaluated: 2021-07-29. Review status: criteria provided, single submitter. Criteria: ACMG Guidelines, 2015. Collection method: clinical testing. Allele origin: germline.

Mendelics
Classification: Likely pathogenic for Fanconi anemia, complementation group C. Last evaluated: 2018-07-02. Review status: criteria provided, single submitter. Criteria: Mendelics Assertion Criteria 2017. Collection method: clinical testing. Allele origin: unknown.

Counsyl
Classification: Uncertain significance for Fanconi anemia complementation group C. Last evaluated: 2019-07-07. Review status: no assertion criteria provided. Collection method: clinical testing. Allele origin: unknown. Not counted in ClinVar's aggregate classification.

Donald Williams Parsons Laboratory, Baylor College of Medicine
Classification: Pathogenic for Fanconi anemia complementation group C. Last evaluated: 2014-01-30. Review status: no assertion criteria provided. Collection method: research. Allele origin: paternal. Inheritance: Autosomal recessive inheritance. Observed: 1 variant allele, 1 heterozygote. Study: CSER-BASIC3. Not counted in ClinVar's aggregate classification.
Comment: This nonsense variant is categorized as deleterious according to ACMG guidelines (PMID:18414213). It would be pathogenic in a recessive state; heterozygotes would be carriers for the condition. LOH was not detected in this region in the tumor.

Literature cited by the submitters: PubMed 26822237 (cited by 5 submitters); PubMed 29922827 (cited by Quest Diagnostics Nichols Institute San Juan Capistrano); PubMed 8882868 (cited by Counsyl).